The following is an entry in ClinVar:

ClinVar aggregate classification (germline): Uncertain significance (1 of 4 stars; one submission).

Conditions:
Hypertrophic cardiomyopathy 1 (CMH1). Also called: Familial hypertrophic cardiomyopathy 1; MYH7-Related Familial Hypertrophic Cardiomyopathy. Identifiers: MedGen C3495498, MONDO:0008647, OMIM 192600.

Submission:

MVZ Medizinische Genetik Mainz
Classification: Uncertain significance for Hypertrophic cardiomyopathy 1. Last evaluated: 2024-10-21. Review status: criteria provided, single submitter. Criteria: UK Practice Guidelines For Variant Classification V4 01 2020. Collection method: clinical testing. Allele origin: germline. Inheritance: Autosomal dominant inheritance. Affected: yes. Observed: 1 variant allele.
Comment: ACMG Criteria: PP3_MOD,PM2_SUP

NM_000257.4(MYH7):c.4160A>G (p.Glu1387Gly)

Gene: MYH7 (myosin heavy chain 7; minus strand). Cytogenetic location: 14q11.2.
Variant type: single nucleotide variant.
Coding change: c.4160A>G on transcript NM_000257.4 (MANE Select); coding-DNA position 4160, A replaced by G.
Protein change: p.Glu1387Gly; replaces glutamic acid 1387 with glycine.
Molecular consequence: missense variant.
Genome position (GRCh38, 1-based): chr14:23,418,219, T>C on the plus strand (A>G on the coding strand, the complement: MYH7 is on the minus strand). VCF-style: chr14-23418219-T-C. GRCh37 (hg19) VCF-style: chr14-23887428-T-C.
Other names: c.4160A>G, p.Glu1387Gly (NM_001407004.1); short protein forms E1387G.
Identifiers: ClinVar variation 3383226 (VCV003383226.1).